The following is an entry in ClinVar:

NM_001378418.1(TCF20):c.697C>T (p.Gln233Ter)

Gene: TCF20 (transcription factor 20; minus strand). Cytogenetic location: 22q13.2.
Variant type: single nucleotide variant.
Coding change: c.697C>T on transcript NM_001378418.1 (MANE Select); coding-DNA position 697, C replaced by T.
Protein change: p.Gln233Ter; replaces glutamine 233 with a stop codon.
Molecular consequence: nonsense.
Genome position (GRCh38, 1-based): chr22:42,214,609, G>A on the plus strand (C>T on the coding strand, the complement: TCF20 is on the minus strand). VCF-style: chr22-42214609-G-A. GRCh37 (hg19) VCF-style: chr22-42610615-G-A.
Other names: c.697C>T, p.Gln233Ter (NM_005650.4, NM_181492.3); short protein forms Q233*.
Identifiers: ClinVar variation 599638 (VCV000599638.5), dbSNP rs751610641, ClinGen allele CA411792442.

ClinVar aggregate classification (germline): Pathogenic. Review status: criteria provided, single submitter (1 of 4 stars). 3 submissions from 2 submitters: Pathogenic (1). 2 of the submissions do not count toward it. Last evaluated 2018-11-14.

Conditions:
Developmental delay with variable intellectual impairment and behavioral abnormalities. Identifiers: MedGen C5193092, MONDO:0032745, OMIM 618430.
Neurodevelopmental abnormality. Identifiers: MedGen C4022737, HP:0012759.

Submissions (3):

GeneDx
Classification: Pathogenic for Neurodevelopmental abnormality. Last evaluated: 2018-11-14. Review status: criteria provided, single submitter. Criteria: GeneDx Variant Classification (06012015). Collection method: clinical testing. Allele origin: de novo. Affected: yes.

OMIM
Classification: Pathogenic for DEVELOPMENTAL DELAY WITH VARIABLE INTELLECTUAL IMPAIRMENT AND BEHAVIORAL ABNORMALITIES. Last evaluated: 2019-05-20. Review status: no assertion criteria provided. Collection method: literature only. Allele origin: germline. Not counted in ClinVar's aggregate classification.

GeneDx
Classification: Pathogenic. Last evaluated: 2018-11-14. Review status: flagged submission. Criteria: GeneDx Variant Classification (06012015). Collection method: clinical testing. Allele origin: germline. Affected: yes. Not counted in ClinVar's aggregate classification.
Comment: The Q233X variant in the TCF20 gene has been reported in a cohort of individuals with TCF20-related disorder undergoing exome sequencing (Torti et al., 2019). This variant is predicted to cause loss of normal protein function either through protein truncation or nonsense-mediated mRNA decay. The Q233X variant is not observed in large population cohorts (Lek et al., 2016). We interpret Q233X as a pathogenic variant.
ClinVar note: Reason: This record appears to be redundant with a more recent record from the same submitter.
ClinVar note: Notes: SCV000890421 appears to be redundant with SCV000854583.

Literature cited by the submitters: PubMed 30739909 (cited by OMIM).